The following is an entry in ClinVar:

NM_001353345.2(SETD1B):c.5476A>C (p.Lys1826Gln)

Gene: SETD1B (SET domain containing 1B, histone lysine methyltransferase; plus strand). Cytogenetic location: 12q24.31.
Variant type: single nucleotide variant.
Coding change: c.5476A>C on transcript NM_001353345.2 (MANE Select); coding-DNA position 5476, A replaced by C.
Protein change: p.Lys1826Gln; replaces lysine 1826 with glutamine.
Molecular consequence: missense variant.
Genome position (GRCh38, 1-based): chr12:121,827,741, A>C. VCF-style: chr12-121827741-A-C. GRCh37 (hg19) VCF-style: chr12-122265647-A-C.
Other names: short protein forms K1826Q.
Identifiers: ClinVar variation 2504484 (VCV002504484.2), dbSNP rs2500252407, ClinGen allele CA387004673.

ClinVar aggregate classification (germline): Uncertain significance (1 of 4 stars; one submission).

Submission:

GeneDx
Classification: Uncertain significance. Last evaluated: 2023-11-30. Review status: criteria provided, single submitter. Criteria: GeneDx Variant Classification Process June 2021. Collection method: clinical testing. Allele origin: germline. Affected: yes.
Comment: Not observed at significant frequency in large population cohorts (gnomAD); In silico analysis supports that this missense variant has a deleterious effect on protein structure/function; Has not been previously published as pathogenic or benign to our knowledge